The following is an entry in ClinVar:

NM_001061.7(TBXAS1):c.1203G>A (p.Leu401=)

Gene: TBXAS1 (thromboxane A synthase 1; plus strand). Cytogenetic location: 7q34.
Variant type: single nucleotide variant.
Coding change: c.1203G>A on transcript NM_001061.7 (MANE Select); coding-DNA position 1203, G replaced by A.
Protein change: p.Leu401=; no amino-acid change (leucine 401 retained).
Molecular consequence: synonymous variant.
Genome position (GRCh38, 1-based): chr7:140,007,159, G>A. VCF-style: chr7-140007159-G-A. GRCh37 (hg19) VCF-style: chr7-139706959-G-A.
Other names: p.Leu447=; c.1203G>A, p.Leu401= (NM_001130966.5, NM_030984.6); c.1341G>A, p.Leu447= (NM_001166253.4); c.1002G>A, p.Leu334= (NM_001166254.4); c.1146G>A, p.Leu382= (NM_001314028.4); c.1020G>A, p.Leu340= (NM_001366537.3); c.1341G>A (NM_001166253.3).
Identifiers: ClinVar variation 713702 (VCV000713702.12), dbSNP rs5761, ClinGen allele CA4511926.

ClinVar aggregate classification (germline): Benign. Review status: criteria provided, multiple submitters, no conflicts (2 of 4 stars). 3 submissions from 3 submitters: Benign (3). Last evaluated 2026-01-16.

Allele frequency attached by ClinVar (database versions not stated): 1000 Genomes Project 30x 0.00172; 1000 Genomes Project 0.00200; TOPMed 0.00385; ESP Exome Variant Server 0.00469.
gnomAD v4.1: 1,053 of 1,614,126 alleles (0.065%); highest among the groups gnomAD compares: African/African-American, 1.2%; 7 homozygotes.

Submissions (3):

Labcorp Genetics (formerly Invitae), Labcorp
Classification: Benign. Last evaluated: 2026-01-16. Review status: criteria provided, single submitter. Criteria: Invitae Variant Classification Sherloc (09022015). Collection method: clinical testing. Allele origin: germline.

Mayo Clinic Laboratories, Mayo Clinic
Classification: Benign. Last evaluated: 2024-10-04. Review status: criteria provided, single submitter. Criteria: ACMG Guidelines, 2015. Collection method: clinical testing. Allele origin: germline. Observed: 4 variant alleles.
Comment: BS1, BS2, BP4, BP7

Breakthrough Genomics
Classification: Benign. Review status: criteria provided, single submitter. Criteria: ACMG Guidelines, 2015. Collection method: not provided. Allele origin: germline. Inheritance: Autosomal recessive inheritance. Affected: yes.